The following is an entry in ClinVar:

NM_000071.3(CBS):c.537C>T (p.Asp179=)

Gene: CBS (cystathionine beta-synthase; minus strand). Cytogenetic location: 21q22.3.
Variant type: single nucleotide variant.
Coding change: c.537C>T on transcript NM_000071.3 (MANE Select); coding-DNA position 537, C replaced by T.
Protein change: p.Asp179=; no amino-acid change (aspartic acid 179 retained).
Molecular consequence: synonymous variant.
Genome position (GRCh38, 1-based): chr21:43,065,516, G>A on the plus strand (C>T on the coding strand, the complement: CBS is on the minus strand). VCF-style: chr21-43065516-G-A. GRCh37 (hg19) VCF-style: chr21-44485626-G-A.
Other names: c.537C>T, p.Asp179= (NM_001178008.3, NM_001178009.3, NM_001320298.2); c.222C>T, p.Asp74= (NM_001321072.1).
Identifiers: ClinVar variation 263327 (VCV000263327.18), dbSNP rs769712423, ClinGen allele CA10587947.

ClinVar aggregate classification (germline): Likely benign. Review status: criteria provided, multiple submitters, no conflicts (2 of 4 stars). 4 submissions from 4 submitters: Likely benign (2). 2 of the submissions do not count toward it. Last evaluated 2025-12-16.

Conditions:
CBS-related disorder. Also called: CBS-related condition.
Familial thoracic aortic aneurysm and aortic dissection (TAAD). Also called: Thoracic aortic aneurysms and dissections. Identifiers: Orphanet 91387, MedGen C4707243, MONDO:0019625.
Classic homocystinuria. Also called: Homocystinuria due to Cystathionine Beta-Synthase Deficiency; Homocystinuria due to CBS deficiency; Cystathionine beta-synthase deficiency; CBS deficiency; HOMOCYSTINURIA WITH OR WITHOUT RESPONSE TO PYRIDOXINE. Identifiers: Orphanet 394, MedGen C0751202, MONDO:0009352, OMIM 236200.
HYPERHOMOCYSTEINEMIA, THROMBOTIC, CBS-RELATED. Identifiers: MedGen C3150344, OMIM 236200.

Allele frequency attached by ClinVar (database versions not stated): TOPMed 0.00001; ExAC 0.00010; gnomAD 0.00003; gnomAD exomes 0.00007.

Submissions (4):

Labcorp Genetics (formerly Invitae), Labcorp
Classification: Likely benign for HYPERHOMOCYSTEINEMIA, THROMBOTIC, CBS-RELATED. Last evaluated: 2025-12-16. Review status: criteria provided, single submitter. Criteria: Invitae Variant Classification Sherloc (09022015). Collection method: clinical testing. Allele origin: germline.

Ambry Genetics
Classification: Likely benign for Familial thoracic aortic aneurysm and aortic dissection. Last evaluated: 2023-04-13. Review status: criteria provided, single submitter. Criteria: Ambry Variant Classification Scheme 2023. Collection method: clinical testing. Allele origin: germline.

PreventionGenetics, part of Exact Sciences
Classification: Likely benign for CBS-related condition. Last evaluated: 2024-04-05. Review status: no assertion criteria provided. Collection method: clinical testing. Allele origin: germline. Not counted in ClinVar's aggregate classification.
Comment: This variant is classified as likely benign based on ACMG/AMP sequence variant interpretation guidelines (Richards et al. 2015 PMID: 25741868, with internal and published modifications).

Natera, Inc.
Classification: Likely benign for Homocystinuria due to cystathionine beta-synthase deficiency. Last evaluated: 2020-06-03. Review status: no assertion criteria provided. Collection method: clinical testing. Allele origin: germline. Not counted in ClinVar's aggregate classification.